The following is an entry in ClinVar:

NM_173728.4(ARHGEF15):c.92C>T (p.Ala31Val)

Gene: ARHGEF15 (Rho guanine nucleotide exchange factor 15; plus strand). Cytogenetic location: 17p13.1.
Variant type: single nucleotide variant.
Coding change: c.92C>T on transcript NM_173728.4 (MANE Select); coding-DNA position 92, C replaced by T.
Protein change: p.Ala31Val; replaces alanine 31 with valine.
Molecular consequence: missense variant.
Genome position (GRCh38, 1-based): chr17:8,312,131, C>T. VCF-style: chr17-8312131-C-T. GRCh37 (hg19) VCF-style: chr17-8215449-C-T.
Other names: c.92C>T, p.Ala31Val (NM_025014.2); short protein forms A31V.
Identifiers: ClinVar variation 1378304 (VCV001378304.9), dbSNP rs2151634754, ClinGen allele CA398013362.

ClinVar aggregate classification (germline): Uncertain significance (1 of 4 stars; one submission).

Conditions:
Early-infantile DEE. Also called: Ohtahara syndrome; Early infantile epileptic encephalopathy; Early infantile epileptic encephalopathy with suppression bursts. Identifiers: Orphanet 1934, MedGen C0393706, MONDO:0800491.

Submission:

Labcorp Genetics (formerly Invitae), Labcorp
Classification: Uncertain significance for Early-infantile DEE. Last evaluated: 2021-05-29. Review status: criteria provided, single submitter. Criteria: Invitae Variant Classification Sherloc (09022015). Collection method: clinical testing. Allele origin: germline.
Comment: In summary, the available evidence is currently insufficient to determine the role of this variant in disease. Therefore, it has been classified as a Variant of Uncertain Significance. Algorithms developed to predict the effect of missense changes on protein structure and function (SIFT, PolyPhen-2, Align-GVGD) all suggest that this variant is likely to be tolerated, but these predictions have not been confirmed by published functional studies and their clinical significance is uncertain. This variant has not been reported in the literature in individuals with ARHGEF15-related conditions. This variant is not present in population databases (ExAC no frequency). This sequence change replaces alanine with valine at codon 31 of the ARHGEF15 protein (p.Ala31Val). The alanine residue is weakly conserved and there is a small physicochemical difference between alanine and valine.